The following is an entry in ClinVar:

NM_024426.6(WT1):c.136G>A (p.Ala46Thr)

Genes: WT1 (WT1 transcription factor; minus strand), LOC107982234 (WT1/WT1-AS bi-directional promoter region; plus strand). Cytogenetic location: 11p13.
Variant type: single nucleotide variant.
Coding change: c.136G>A on transcript NM_024426.6 (MANE Select); coding-DNA position 136, G replaced by A.
Protein change: p.Ala46Thr; replaces alanine 46 with threonine.
Molecular consequence: missense variant. On other transcripts: non-coding transcript variant (1).
Genome position (GRCh38, 1-based): chr11:32,435,225, C>T on the plus strand (G>A on the coding strand, the complement: WT1 is on the minus strand). VCF-style: chr11-32435225-C-T. GRCh37 (hg19) VCF-style: chr11-32456771-C-T.
Other names: c.136G>A, p.Ala46Thr (NM_000378.6, NM_024424.5); short protein forms A46T.
Identifiers: ClinVar variation 655819 (VCV000655819.9), dbSNP rs886048233, ClinGen allele CA379966310.

ClinVar aggregate classification (germline): Uncertain significance (1 of 4 stars; one submission).

Conditions:
Drash syndrome (DDS). Also called: WILMS TUMOR AND PSEUDO- OR TRUE HERMAPHRODITISM; NEPHROPATHY, WILMS TUMOR, AND GENITAL ANOMALIES. Identifiers: Orphanet 220, MedGen C0950121, MONDO:0008682, OMIM 194080.
Wilms tumor 1 (WT1). Also called: Wilms tumor, somatic. Identifiers: Orphanet 654, MedGen CN033288, MONDO:0008679, OMIM 194070.
11p partial monosomy syndrome (WAGR). Also called: WAGR Complex; WAGR syndrome; WAGR Spectrum Disorder; CHROMOSOME 11p13 DELETION SYNDROME. Identifiers: Orphanet 893, MedGen C0206115, MONDO:0008681, OMIM 194072.
Frasier syndrome. Identifiers: Orphanet 347, MedGen C0950122, MeSH D052159, MONDO:0007635, OMIM 136680.

Allele frequency attached by ClinVar (database versions not stated): gnomAD exomes 0.00001.
gnomAD v4.1: 3 of 1,535,502 alleles (0.0002%); highest among the groups gnomAD compares: Non-Finnish European, 0.00026%; no homozygotes.

Submission:

Labcorp Genetics (formerly Invitae), Labcorp
Classification: Uncertain significance for Wilms tumor 1; Drash syndrome; 11p partial monosomy syndrome; Frasier syndrome. Last evaluated: 2018-08-07. Review status: criteria provided, single submitter. Criteria: Invitae Variant Classification Sherloc (09022015). Collection method: clinical testing. Allele origin: germline.
Comment: This sequence change replaces alanine with threonine at codon 41 of the WT1 protein (p.Ala41Thr). The alanine residue is weakly conserved and there is a small physicochemical difference between alanine and threonine. While this variant is not present in population databases, the frequency information is unreliable, as metrics indicate poor data quality at this position in the ExAC database. In summary, the available evidence is currently insufficient to determine the role of this variant in disease. Therefore, it has been classified as a Variant of Uncertain Significance. Algorithms developed to predict the effect of missense changes on protein structure and function output the following: SIFT: "Deleterious"; PolyPhen-2: "Benign"; Align-GVGD: "Class C0". The threonine amino acid residue is found in multiple mammalian species, suggesting that this missense change does not adversely affect protein function. These predictions have not been confirmed by published functional studies and their clinical significance is uncertain. This variant has not been reported in the literature in individuals with WT1-related disease.